The following is an entry in ClinVar:

ClinVar aggregate classification (germline): Likely benign (1 of 4 stars; one submission).

gnomAD v4.1: 12 of 1,614,216 alleles (0.00074%); highest among the groups gnomAD compares: Non-Finnish European, 0.001%; no homozygotes.

Submission:

Mayo Clinic Laboratories, Mayo Clinic
Classification: Likely benign. Last evaluated: 2025-06-10. Review status: criteria provided, single submitter. Criteria: ACMG Guidelines, 2015. Collection method: clinical testing. Allele origin: germline. Observed: 1 variant allele.
Comment: BP4, BP7

NM_182961.4(SYNE1):c.8928G>C (p.Leu2976=)

Genes: SYNE1 (spectrin repeat containing nuclear envelope protein 1; minus strand), SYNE1-AS1 (SYNE1 antisense RNA 1; plus strand). Cytogenetic location: 6q25.2.
Variant type: single nucleotide variant.
Coding change: c.8928G>C on transcript NM_182961.4 (MANE Select); coding-DNA position 8928, G replaced by C.
Protein change: p.Leu2976=; no amino-acid change (leucine 2976 retained).
Molecular consequence: synonymous variant. On other transcripts: non-coding transcript variant (1).
Genome position (GRCh38, 1-based): chr6:152,381,087, C>G on the plus strand (G>C on the coding strand, the complement: SYNE1 is on the minus strand). VCF-style: chr6-152381087-C-G. GRCh37 (hg19) VCF-style: chr6-152702222-C-G.
Other names: p.Leu2983=; c.8949G>C, p.Leu2983= (NM_033071.5).
Identifiers: ClinVar variation 4683229 (VCV004683229.1).